The following is an entry in ClinVar:

NM_001352514.2(HLCS):c.1088T>G (p.Leu363Arg)

Gene: HLCS (holocarboxylase synthetase; minus strand). Cytogenetic location: 21q22.13.
Variant type: single nucleotide variant.
Coding change: c.1088T>G on transcript NM_001352514.2 (MANE Select); coding-DNA position 1088, T replaced by G.
Protein change: p.Leu363Arg; replaces leucine 363 with arginine.
Molecular consequence: missense variant. On other transcripts: non-coding transcript variant (2).
Genome position (GRCh38, 1-based): chr21:36,936,798, A>C on the plus strand (T>G on the coding strand, the complement: HLCS is on the minus strand). VCF-style: chr21-36936798-A-C. GRCh37 (hg19) VCF-style: chr21-38309098-A-C.
Other names: c.647T>G, p.Leu216Arg (NM_000411.8, NM_001242784.3, NM_001242785.2 and 4 more transcripts); c.647T>G (NM_000411.7); short protein forms L216R, L363R.
Identifiers: ClinVar variation 1914 (VCV000001914.18), dbSNP rs28934602, ClinGen allele CA278025.

ClinVar aggregate classification (germline): Pathogenic/Likely pathogenic. Review status: criteria provided, multiple submitters, no conflicts (2 of 4 stars). 6 submissions from 6 submitters: Pathogenic (3); Likely pathogenic (1). 2 of the submissions do not count toward it. Last evaluated 2025-01-27.

Conditions:
Holocarboxylase synthetase deficiency. Also called: MULTIPLE CARBOXYLASE DEFICIENCY, EARLY ONSET. Identifiers: Orphanet 79242, MedGen C0268581, MONDO:0009666, OMIM 253270.

Allele frequency attached by ClinVar (database versions not stated): gnomAD 0.00001.
gnomAD v4.1: 1 of 1,614,072 alleles (0.000062%); highest among the groups gnomAD compares: Admixed American, 0.0017%; no homozygotes.

Submissions (6):

Natera, Inc.
Classification: Likely pathogenic for Holocarboxylase synthetase deficiency. Last evaluated: 2025-01-27. Review status: criteria provided, single submitter. Criteria: Natera Variant Classification Schema (03/2026). Collection method: clinical testing. Allele origin: germline.
Comment: The c.647T>G variant in HLCS is a missense variant predicted to cause substitution of leucine to arginine at amino acid 216. This variant is rare in the general population with a frequency below the threshold expected for the associated phenotype(s). This variant has been observed in one or more individuals affected with the associated recessive disease, as either homozygous or compound heterozygous with a second variant (PMID: 8817339, 12124727, 18429047). Additionally, this variant has been observed to segregate in affected family members (PMID: 24085707). Computational prediction algorithms indicate this variant is likely to affect gene or protein function. Given the available evidence, this variant is classified as Likely Pathogenic.

Labcorp Genetics (formerly Invitae), Labcorp
Classification: Pathogenic for Holocarboxylase synthetase deficiency. Last evaluated: 2023-11-13. Review status: criteria provided, single submitter. Criteria: Invitae Variant Classification Sherloc (09022015). Collection method: clinical testing. Allele origin: germline.
Comment: This sequence change replaces leucine, which is neutral and non-polar, with arginine, which is basic and polar, at codon 216 of the HLCS protein (p.Leu216Arg). This variant is not present in population databases (gnomAD no frequency). This missense change has been observed in individuals with holocarboxylase synthetase deficiency (HCS) (PMID: 8817339, 24085707). It has also been observed to segregate with disease in related individuals. ClinVar contains an entry for this variant (Variation ID: 1914). Advanced modeling of protein sequence and biophysical properties (such as structural, functional, and spatial information, amino acid conservation, physicochemical variation, residue mobility, and thermodynamic stability) performed at Invitae indicates that this missense variant is expected to disrupt HLCS protein function with a positive predictive value of 80%. Experimental studies have shown that this missense change affects HLCS function (PMID: 21894551, 22027809). For these reasons, this variant has been classified as Pathogenic.

Baylor Genetics
Classification: Pathogenic for Holocarboxylase synthetase deficiency. Last evaluated: 2023-04-13. Review status: criteria provided, single submitter. Criteria: ACMG Guidelines, 2015. Collection method: clinical testing. Allele origin: unknown.

Women's Health and Genetics/Laboratory Corporation of America, LabCorp
Classification: Pathogenic for Holocarboxylase synthetase deficiency. Last evaluated: 2022-08-12. Review status: criteria provided, single submitter. Criteria: LabCorp Variant Classification Summary - May 2015. Collection method: clinical testing. Allele origin: germline.
Comment: Variant summary: HLCS c.647T>G (p.Leu216Arg) results in a non-conservative amino acid change in the encoded protein sequence. Five of five in-silico tools predict a damaging effect of the variant on protein function. The variant was absent in 251278 control chromosomes. c.647T>G has been reported in the literature as a biallelic genotype in multiple individuals affected with Holocarboxylase Synthetase Deficiency (example, Dupuis_1996, Morrone_2002, Slavin_2014). These data indicate that the variant is very likely to be associated with disease. At least two publications report concordant experimental evidence evaluating an impact on protein function (example, Sakamoto_1999, Bailey_2008). The most pronounced variant effect results in severaly decreased (0.6% of WT) maximal velocity imacting Holocarboxylase synthetase enzyme activity in vitro. This severely compromised in-vitro activity could not be restored by additional biotin (Bailey_2008). Three clinical diagnostic laboratories have submitted clinical-significance assessments for this variant to ClinVar after 2014 without evidence for independent evaluation. All laboratories classified the variant as pathogenic/likely pathogenic. Based on the evidence outlined above, the variant was classified as pathogenic.

Counsyl
Classification: Likely pathogenic for Holocarboxylase synthetase deficiency. Last evaluated: 2017-07-19. Review status: no assertion criteria provided. Collection method: clinical testing. Allele origin: unknown. Not counted in ClinVar's aggregate classification.

OMIM
Classification: Pathogenic for HOLOCARBOXYLASE SYNTHETASE DEFICIENCY. Last evaluated: 2002-07-22. Review status: no assertion criteria provided. Collection method: literature only. Allele origin: germline. Not counted in ClinVar's aggregate classification.

Literature cited by the submitters: PubMed 8817339 (cited by 4 submitters); PubMed 12124727 (cited by 4 submitters); PubMed 18429047 (cited by 3 submitters); PubMed 24085707 (cited by 4 submitters); PubMed 21894551 (cited by Labcorp Genetics (formerly Invitae), Labcorp and Counsyl); PubMed 22027809 (cited by Labcorp Genetics (formerly Invitae), Labcorp and Counsyl); PubMed 10590022 (cited by Women's Health and Genetics/Laboratory Corporation of America, LabCorp and Counsyl); PubMed 10068510 (cited by Counsyl).